The following is an entry in ClinVar:

ClinVar aggregate classification (germline): Uncertain significance (1 of 4 stars; one submission).

Conditions:
DICER1-related tumor predisposition. Also called: DICER1 syndrome; DICER1-related pleuropulmonary blastoma cancer predisposition syndrome. Identifiers: Orphanet 284343, MedGen C3839822, MONDO:0100216.

Submission:

Labcorp Genetics (formerly Invitae), Labcorp
Classification: Uncertain significance for DICER1-related tumor predisposition. Last evaluated: 2025-02-07. Review status: criteria provided, single submitter. Criteria: Invitae Variant Classification Sherloc (09022015). Collection method: clinical testing. Allele origin: germline.
Comment: This sequence change replaces methionine, which is neutral and non-polar, with arginine, which is basic and polar, at codon 1428 of the DICER1 protein (p.Met1428Arg). This variant is not present in population databases (gnomAD no frequency). This variant has not been reported in the literature in individuals affected with DICER1-related conditions. ClinVar contains an entry for this variant (Variation ID: 2014265). Invitae Evidence Modeling of protein sequence and biophysical properties (such as structural, functional, and spatial information, amino acid conservation, physicochemical variation, residue mobility, and thermodynamic stability) indicates that this missense variant is not expected to disrupt DICER1 protein function with a negative predictive value of 95%. In summary, the available evidence is currently insufficient to determine the role of this variant in disease. Therefore, it has been classified as a Variant of Uncertain Significance.

NM_177438.3(DICER1):c.4283T>G (p.Met1428Arg)

Gene: DICER1 (dicer 1, ribonuclease III; minus strand). Cytogenetic location: 14q32.13.
Variant type: single nucleotide variant.
Coding change: c.4283T>G on transcript NM_177438.3 (MANE Select); coding-DNA position 4283, T replaced by G.
Protein change: p.Met1428Arg; replaces methionine 1428 with arginine.
Molecular consequence: missense variant. On other transcripts: non-coding transcript variant (6).
Genome position (GRCh38, 1-based): chr14:95,096,637, A>C on the plus strand (T>G on the coding strand, the complement: DICER1 is on the minus strand). VCF-style: chr14-95096637-A-C. GRCh37 (hg19) VCF-style: chr14-95562974-A-C.
Other names: c.4283T>G, p.Met1428Arg (NM_001195573.1, NM_001271282.3, NM_001291628.2 and 13 more transcripts); c.4001T>G, p.Met1334Arg (NM_001395686.1); c.3878T>G, p.Met1293Arg (NM_001395687.1, NM_001395688.1, NM_001395689.1 and 2 more transcripts); c.3716T>G, p.Met1239Arg (NM_001395691.1); c.2600T>G, p.Met867Arg (NM_001395697.1); short protein forms M1334R, M1293R, M1428R, M1239R, M867R.
Identifiers: ClinVar variation 2014265 (VCV002014265.4), dbSNP rs996633792, ClinGen allele CA390869540.